The following is an entry in ClinVar:

NM_152309.3(PIK3AP1):c.1111C>T (p.His371Tyr)

Gene: PIK3AP1 (phosphoinositide-3-kinase adaptor protein 1; minus strand). Cytogenetic location: 10q24.1.
Variant type: single nucleotide variant.
Coding change: c.1111C>T on transcript NM_152309.3 (MANE Select); coding-DNA position 1111, C replaced by T.
Protein change: p.His371Tyr; replaces histidine 371 with tyrosine.
Molecular consequence: missense variant.
Genome position (GRCh38, 1-based): chr10:96,648,733, G>A on the plus strand (C>T on the coding strand, the complement: PIK3AP1 is on the minus strand). VCF-style: chr10-96648733-G-A. GRCh37 (hg19) VCF-style: chr10-98408490-G-A.
Other names: short protein forms H371Y.
Identifiers: ClinVar variation 3624299 (VCV003624299.2).

ClinVar aggregate classification (germline): Uncertain significance (1 of 4 stars; one submission).

Conditions:
Infantile spasms. Also called: Infantile spasm. Identifiers: MedGen C3887898, HP:0012469.

Submission:

Labcorp Genetics (formerly Invitae), Labcorp
Classification: Uncertain significance for Infantile spasms. Last evaluated: 2024-10-10. Review status: criteria provided, single submitter. Criteria: Invitae Variant Classification Sherloc (09022015). Collection method: clinical testing. Allele origin: germline.
Comment: This sequence change replaces histidine, which is basic and polar, with tyrosine, which is neutral and polar, at codon 371 of the PIK3AP1 protein (p.His371Tyr). This variant is not present in population databases (gnomAD no frequency). This variant has not been reported in the literature in individuals affected with PIK3AP1-related conditions. An algorithm developed to predict the effect of missense changes on protein structure and function outputs the following: PolyPhen-2: "Benign". The tyrosine amino acid residue is found in multiple mammalian species, which suggests that this missense change does not adversely affect protein function. In summary, the available evidence is currently insufficient to determine the role of this variant in disease. Therefore, it has been classified as a Variant of Uncertain Significance.